The following is an entry in ClinVar:

ClinVar aggregate classification (germline): Uncertain significance (1 of 4 stars; one submission).

gnomAD v4.1: 3 of 1,614,016 alleles (0.00019%); highest among the groups gnomAD compares: Non-Finnish European, 0.000085%; no homozygotes.

Submission:

GeneDx
Classification: Uncertain significance. Last evaluated: 2025-06-23. Review status: criteria provided, single submitter. Criteria: GeneDx Variant Classification Process June 2021. Collection method: clinical testing. Allele origin: germline. Affected: yes.
Comment: Not observed at significant frequency in large population cohorts (gnomAD); In silico analysis suggests that this missense variant does not alter protein structure/function; Has not been previously published as pathogenic or benign to our knowledge

NM_013450.4(BAZ2B):c.769A>T (p.Ser257Cys)

Gene: BAZ2B (bromodomain adjacent to zinc finger domain 2B; minus strand). Cytogenetic location: 2q24.2.
Variant type: single nucleotide variant.
Coding change: c.769A>T on transcript NM_013450.4 (MANE Select); coding-DNA position 769, A replaced by T.
Protein change: p.Ser257Cys; replaces serine 257 with cysteine.
Molecular consequence: missense variant.
Genome position (GRCh38, 1-based): chr2:159,439,140, T>A on the plus strand (A>T on the coding strand, the complement: BAZ2B is on the minus strand). VCF-style: chr2-159439140-T-A. GRCh37 (hg19) VCF-style: chr2-160295651-T-A.
Other names: c.763A>T, p.Ser255Cys (NM_001289975.1); c.580A>T, p.Ser194Cys (NM_001329857.2); c.769A>T, p.Ser257Cys (NM_001329858.2); short protein forms S194C, S255C, S257C.
Identifiers: ClinVar variation 4540279 (VCV004540279.1).